The following is an entry in ClinVar:

ClinVar aggregate classification (germline): Uncertain significance. Review status: criteria provided, multiple submitters, no conflicts (2 of 4 stars). 3 submissions from 3 submitters: Uncertain significance (3). Last evaluated 2025-09-12.

Conditions:
Inborn genetic diseases. Identifiers: MedGen C0950123, MeSH D030342.

Allele frequency attached by ClinVar (database versions not stated): gnomAD 0.00001; ExAC 0.00002; TOPMed 0.00006.
gnomAD v4.1: 41 of 1,613,928 alleles (0.0025%); highest among the groups gnomAD compares: African/African-American, 0.0053%; no homozygotes.

Submissions (3):

Labcorp Genetics (formerly Invitae), Labcorp
Classification: Uncertain significance. Last evaluated: 2025-09-12. Review status: criteria provided, single submitter. Criteria: Invitae Variant Classification Sherloc (09022015). Collection method: clinical testing. Allele origin: germline.
Comment: This sequence change replaces arginine, which is basic and polar, with tryptophan, which is neutral and slightly polar, at codon 95 of the ACAN protein (p.Arg95Trp). This variant is present in population databases (rs767131816, gnomAD 0.004%). This variant has not been reported in the literature in individuals affected with ACAN-related conditions. ClinVar contains an entry for this variant (Variation ID: 2180957). Invitae Evidence Modeling of protein sequence and biophysical properties (such as structural, functional, and spatial information, amino acid conservation, physicochemical variation, residue mobility, and thermodynamic stability) indicates that this missense variant is not expected to disrupt ACAN protein function with a negative predictive value of 80%. In summary, the available evidence is currently insufficient to determine the role of this variant in disease. Therefore, it has been classified as a Variant of Uncertain Significance.

Blueprint Genetics
Classification: Uncertain significance. Last evaluated: 2023-10-18. Review status: criteria provided, single submitter. Criteria: ACMG Guidelines, 2015. Collection method: clinical testing. Allele origin: germline.

Ambry Genetics
Classification: Uncertain significance for Inborn genetic diseases. Last evaluated: 2021-12-03. Review status: criteria provided, single submitter. Criteria: Ambry Variant Classification Scheme 2023. Collection method: clinical testing. Allele origin: germline.

NM_001369268.1(ACAN):c.283C>T (p.Arg95Trp)

Gene: ACAN (aggrecan; plus strand). Cytogenetic location: 15q26.1.
Variant type: single nucleotide variant.
Coding change: c.283C>T on transcript NM_001369268.1 (MANE Select); coding-DNA position 283, C replaced by T.
Protein change: p.Arg95Trp; replaces arginine 95 with tryptophan.
Molecular consequence: missense variant.
Genome position (GRCh38, 1-based): chr15:88,838,875, C>T. VCF-style: chr15-88838875-C-T. GRCh37 (hg19) VCF-style: chr15-89382106-C-T.
Other names: c.283C>T, p.Arg95Trp (NM_001135.4, NM_001411096.1, NM_001411097.1 and 1 more transcripts); c.283C>T (NM_013227.3); short protein forms R95W.
Identifiers: ClinVar variation 2180957 (VCV002180957.6), dbSNP rs767131816, ClinGen allele CA7719184.